The following is an entry in ClinVar:

ClinVar aggregate classification (germline): Likely benign. Review status: criteria provided, multiple submitters, no conflicts (2 of 4 stars). 3 submissions from 3 submitters: Likely benign (3). Last evaluated 2026-08-03.

Conditions:
GFM1-related disorder. Also called: GFM1-related condition.

Allele frequency attached by ClinVar (database versions not stated): gnomAD exomes 0.00004 and 0.00010; ExAC 0.00005; gnomAD 0.00006; TOPMed 0.00006.
gnomAD v4.1: 154 of 1,614,098 alleles (0.0095%); highest among the groups gnomAD compares: Non-Finnish European, 0.012%; no homozygotes.

Submissions (3):

PreventionGenetics, part of Exact Sciences
Classification: Likely benign for GFM1-related condition. Last evaluated: 2026-08-03. Review status: criteria provided, single submitter. Criteria: ACMG Guidelines, 2015. Collection method: clinical testing. Allele origin: germline.
Comment: This variant is classified as likely benign based on ACMG/AMP sequence variant interpretation guidelines (Richards et al. 2015 PMID: 25741868, with internal and published modifications).

Labcorp Genetics (formerly Invitae), Labcorp
Classification: Likely benign. Last evaluated: 2025-11-03. Review status: criteria provided, single submitter. Criteria: Invitae Variant Classification Sherloc (09022015). Collection method: clinical testing. Allele origin: germline.

Blueprint Genetics
Classification: Likely benign. Last evaluated: 2024-08-19. Review status: criteria provided, single submitter. Criteria: ACMG Guidelines, 2015. Collection method: clinical testing. Allele origin: germline.

NM_024996.7(GFM1):c.1110T>C (p.Tyr370=)

Gene: GFM1 (G elongation factor mitochondrial 1; plus strand). Cytogenetic location: 3q25.32.
Variant type: single nucleotide variant.
Coding change: c.1110T>C on transcript NM_024996.7 (MANE Select); coding-DNA position 1110, T replaced by C.
Protein change: p.Tyr370=; no amino-acid change (tyrosine 370 retained).
Molecular consequence: synonymous variant. On other transcripts: non-coding transcript variant (4), intron variant (1).
Genome position (GRCh38, 1-based): chr3:158,658,948, T>C. VCF-style: chr3-158658948-T-C. GRCh37 (hg19) VCF-style: chr3-158376737-T-C.
Other names: c.1167T>C (NM_001308164.1); c.1167T>C, p.Tyr389= (NM_001308164.2); c.1110T>C, p.Tyr370= (NM_001308166.2); c.993T>C, p.Tyr331= (NM_001374356.1); c.885T>C, p.Tyr295= (NM_001374357.1); c.651T>C, p.Tyr217= (NM_001374358.1); c.543T>C, p.Tyr181= (NM_001374359.1, NM_001374360.1); c.426T>C, p.Tyr142= (NM_001374361.1); and 1 more.
Identifiers: ClinVar variation 751319 (VCV000751319.12), dbSNP rs748969531, ClinGen allele CA2682539.